The following is an entry in ClinVar:

ClinVar aggregate classification (germline): Uncertain significance (1 of 4 stars; one submission).

Submission:

CeGaT Center for Human Genetics Tuebingen
Classification: Uncertain significance. Last evaluated: 2025-06-01. Review status: criteria provided, single submitter. Criteria: CeGaT Center For Human Genetics Tuebingen Variant Classification Criteria Version 2. Collection method: clinical testing. Allele origin: germline. Affected: yes. Observed: 1 variant allele.
Comment: RELA: PM2

NM_021975.4(RELA):c.1483G>C (p.Glu495Gln)

Gene: RELA (RELA proto-oncogene, NF-kB subunit; minus strand). Cytogenetic location: 11q13.1.
Variant type: single nucleotide variant.
Coding change: c.1483G>C on transcript NM_021975.4 (MANE Select); coding-DNA position 1483, G replaced by C.
Protein change: p.Glu495Gln; replaces glutamic acid 495 with glutamine.
Molecular consequence: missense variant. On other transcripts: intron variant (1).
Genome position (GRCh38, 1-based): chr11:65,654,551, C>G on the plus strand (G>C on the coding strand, the complement: RELA is on the minus strand). VCF-style: chr11-65654551-C-G. GRCh37 (hg19) VCF-style: chr11-65422022-C-G.
Other names: c.1474G>C, p.Glu492Gln (NM_001145138.2); c.1276G>C, p.Glu426Gln (NM_001243984.2); c.1516G>C, p.Glu506Gln (NM_001404657.1); c.1456G>C, p.Glu486Gln (NM_001404658.1); c.1270G>C, p.Glu424Gln (NM_001404659.1); c.1165G>C, p.Glu389Gln (NM_001404660.1); c.1102G>C, p.Glu368Gln (NM_001404661.1); c.1390G>C, p.Glu464Gln (NM_001404662.1, NM_001404663.1); and 1 more; short protein forms E368Q, E389Q, E424Q, E426Q, E464Q, E486Q, E492Q, E495Q.
Identifiers: ClinVar variation 3906017 (VCV003906017.10).